The following is an entry in ClinVar:

ClinVar aggregate classification (germline): Likely benign (1 of 4 stars; one submission).

Submission:

CeGaT Center for Human Genetics Tuebingen
Classification: Likely benign. Last evaluated: 2026-01-01. Review status: criteria provided, single submitter. Criteria: CeGaT Center For Human Genetics Tuebingen Variant Classification Criteria Version 2. Collection method: clinical testing. Allele origin: germline. Affected: yes. Observed: 1 variant allele.
Comment: IRF2BP2: BP3

NM_182972.3(IRF2BP2):c.281AGC[4] (p.Gln98del)

Genes: IRF2BP2 (interferon regulatory factor 2 binding protein 2; minus strand), LOC129932812 (ATAC-STARR-seq lymphoblastoid silent region 1977; plus strand). Cytogenetic location: 1q42.3.
Variant type: Microsatellite.
Coding change: c.281AGC[4] on transcript NM_182972.3 (MANE Select); four copies in a row of the 3-base unit AGC starting at c.281; the reference has five copies in a row; one copy, 3 bases deleted.
Protein change: p.Gln98del; deletes glutamine 98.
Molecular consequence: inframe deletion.
Genome position (GRCh38, 1-based): chr1:234,609,200-234,609,202, GCT deleted on the plus strand (AGC on the coding strand, the reverse complement: IRF2BP2 is on the minus strand); deleting any 3 consecutive bases within chr1:234,609,200-234,609,216 gives the same sequence; the position shown is the placement nearest the transcript's 3' end. VCF-style (leftmost placement, unchanged base first): chr1-234609199-AGCT-A. GRCh37 (hg19) VCF-style: chr1-234744945-AGCT-A.
Other names: c.281AGC[4], p.Gln98del (NM_001077397.1); short protein forms Q98del.
Identifiers: ClinVar variation 4821171 (VCV004821171.4).